The following is an entry in ClinVar:

NM_001364905.1(LRBA):c.4687T>G (p.Cys1563Gly)

Gene: LRBA (LPS responsive beige-like anchor protein; minus strand). Cytogenetic location: 4q31.3.
Variant type: single nucleotide variant.
Coding change: c.4687T>G on transcript NM_001364905.1 (MANE Select); coding-DNA position 4687, T replaced by G.
Protein change: p.Cys1563Gly; replaces cysteine 1563 with glycine.
Molecular consequence: missense variant.
Genome position (GRCh38, 1-based): chr4:150,831,859, A>C on the plus strand (T>G on the coding strand, the complement: LRBA is on the minus strand). VCF-style: chr4-150831859-A-C. GRCh37 (hg19) VCF-style: chr4-151753011-A-C.
Other names: c.4687T>G, p.Cys1563Gly (NM_001199282.3, NM_001367550.1, NM_006726.5); short protein forms C1563G.
Identifiers: ClinVar variation 1039116 (VCV001039116.8), dbSNP rs771673853, ClinGen allele CA358446432.
Genomic context (GRCh38, chr4:150,831,859, plus strand): 5'-TAGAAAATGCAAACTTACCAGAGAGTGATACATTCTCATTTTCACTGCCAGTTTCTGTAC[A>C]TGACTGGCTATGCCTTTCATTTTGGGGTTCCAAAATGTCTCTGTACTTGGAGACCATAAG-3'
Protein context (NP_001351834.1, residues 1553-1573): EPQNERHSQS[Cys1563Gly]TETGSENENV

ClinVar aggregate classification (germline): Uncertain significance (1 of 4 stars; one submission).

Conditions:
Combined immunodeficiency due to LRBA deficiency. Also called: Common variable immunodeficiency 8, with autoimmunity. Identifiers: Orphanet 445018, MedGen C3553512, MONDO:0013863, OMIM 614700.

Submission:

Labcorp Genetics (formerly Invitae), Labcorp
Classification: Uncertain significance for Combined immunodeficiency due to LRBA deficiency. Last evaluated: 2024-12-09. Review status: criteria provided, single submitter. Criteria: Invitae Variant Classification Sherloc (09022015). Collection method: clinical testing. Allele origin: germline.
Comment: This sequence change replaces cysteine, which is neutral and slightly polar, with glycine, which is neutral and non-polar, at codon 1563 of the LRBA protein (p.Cys1563Gly). This variant is not present in population databases (gnomAD no frequency). This variant has not been reported in the literature in individuals affected with LRBA-related conditions. ClinVar contains an entry for this variant (Variation ID: 1039116). Invitae Evidence Modeling of protein sequence and biophysical properties (such as structural, functional, and spatial information, amino acid conservation, physicochemical variation, residue mobility, and thermodynamic stability) indicates that this missense variant is not expected to disrupt LRBA protein function with a negative predictive value of 80%. In summary, the available evidence is currently insufficient to determine the role of this variant in disease. Therefore, it has been classified as a Variant of Uncertain Significance.